The following is an entry in ClinVar:

ClinVar aggregate classification (germline): Conflicting classifications of pathogenicity. Review status: criteria provided, conflicting classifications (1 of 4 stars). 2 submissions from 2 submitters: Uncertain significance (1); Likely benign (1). Last evaluated 2025-04-09.

Conditions:
Catecholaminergic polymorphic ventricular tachycardia 1. Also called: VENTRICULAR TACHYCARDIA, CATECHOLAMINERGIC POLYMORPHIC, 1, WITH OR WITHOUT ATRIAL DYSFUNCTION AND/OR DILATED CARDIOMYOPATHY; RYR2-Related Catecholaminergic Polymorphic Ventricular Tachycardia; VENTRICULAR TACHYCARDIA, STRESS-INDUCED POLYMORPHIC 1. Identifiers: Orphanet 3286, MedGen C1631597, MONDO:0011484, OMIM 604772.
Cardiovascular phenotype. Identifiers: MedGen CN230736.

Submissions (2):

Ambry Genetics
Classification: Likely benign for Cardiovascular phenotype. Last evaluated: 2025-04-09. Review status: criteria provided, single submitter. Criteria: Ambry Variant Classification Scheme 2023. Collection method: clinical testing. Allele origin: germline.

Labcorp Genetics (formerly Invitae), Labcorp
Classification: Uncertain significance for Catecholaminergic polymorphic ventricular tachycardia 1. Last evaluated: 2021-02-09. Review status: criteria provided, single submitter. Criteria: Invitae Variant Classification Sherloc (09022015). Collection method: clinical testing. Allele origin: germline.
Comment: In summary, the available evidence is currently insufficient to determine the role of this variant in disease. Therefore, it has been classified as a Variant of Uncertain Significance. Algorithms developed to predict the effect of missense changes on protein structure and function output the following: SIFT: "Tolerated"; PolyPhen-2: "Benign"; Align-GVGD: "Class C0". The alanine amino acid residue is found in multiple mammalian species, suggesting that this missense change does not adversely affect protein function. These predictions have not been confirmed by published functional studies and their clinical significance is uncertain. This variant has not been reported in the literature in individuals with TRDN-related conditions. This variant is not present in population databases (ExAC no frequency). This sequence change replaces threonine with alanine at codon 426 of the TRDN protein (p.Thr426Ala). The threonine residue is moderately conserved and there is a small physicochemical difference between threonine and alanine.

NM_006073.4(TRDN):c.1276A>G (p.Thr426Ala)

Gene: TRDN (triadin; minus strand). Cytogenetic location: 6q22.31.
Variant type: single nucleotide variant.
Coding change: c.1276A>G on transcript NM_006073.4 (MANE Select); coding-DNA position 1276, A replaced by G.
Protein change: p.Thr426Ala; replaces threonine 426 with alanine.
Molecular consequence: missense variant.
Genome position (GRCh38, 1-based): chr6:123,366,180, T>C on the plus strand (A>G on the coding strand, the complement: TRDN is on the minus strand). VCF-style: chr6-123366180-T-C. GRCh37 (hg19) VCF-style: chr6-123687325-T-C.
Other names: c.1276A>G (NM_006073.2); c.1279A>G, p.Thr427Ala (NM_001251987.2); short protein forms T426A, T427A.
Identifiers: ClinVar variation 1507019 (VCV001507019.10), dbSNP rs1040336692, ClinGen allele CA365565979.
Genomic context (GRCh38, chr6:123,366,180, plus strand): 5'-TTAAGCTGCATTTACCTTTTTTAATTGAAACCGCACCAATCTCCTCTTTGGCTCGTTCAG[T>C]TTCTGCAAGTTCAGATATTAAAGGAATGAGAAGTGGATATTAGTGATGCCAAATTCACAT-3'
Protein context (NP_006064.2, residues 416-436): VPSDKQVKAK[Thr426Ala]ERAKEEIGAV